The following is an entry in ClinVar:

ClinVar aggregate classification (germline): Uncertain significance (1 of 4 stars; one submission).

Submission:

Women's Health and Genetics/Laboratory Corporation of America, LabCorp
Classification: Uncertain significance. Last evaluated: 2024-09-03. Review status: criteria provided, single submitter. Criteria: LabCorp Variant Classification Summary - May 2015. Collection method: clinical testing. Allele origin: germline.
Comment: Variant summary: BRWD3 c.4562C>T (p.Ser1521Leu) results in a non-conservative amino acid change in the encoded protein sequence. Four of five in-silico tools predict a benign effect of the variant on protein function. The variant was absent in 183085 control chromosomes (gnomAD). The available data on variant occurrences in the general population are insufficient to allow any conclusion about variant significance. To our knowledge, no occurrence of c.4562C>T in individuals affected with Intellectual Disability, X-Linked 93 and no experimental evidence demonstrating its impact on protein function have been reported. No submitters have cited clinical-significance assessments for this variant to ClinVar. Based on the evidence outlined above, the variant was classified as uncertain significance.

NM_153252.5(BRWD3):c.4562C>T (p.Ser1521Leu)

Gene: BRWD3 (bromodomain and WD repeat domain containing 3; minus strand). Cytogenetic location: Xq21.1.
Variant type: single nucleotide variant.
Coding change: c.4562C>T on transcript NM_153252.5 (MANE Select); coding-DNA position 4562, C replaced by T.
Protein change: p.Ser1521Leu; replaces serine 1521 with leucine.
Molecular consequence: missense variant.
Genome position (GRCh38, 1-based): chrX:80,681,433, G>A on the plus strand (C>T on the coding strand, the complement: BRWD3 is on the minus strand). VCF-style: chrX-80681433-G-A. GRCh37 (hg19) VCF-style: chrX-79936932-G-A.
Other names: short protein forms S1521L.
Identifiers: ClinVar variation 3375129 (VCV003375129.1).
Genomic context (GRCh38, chrX:80,681,433, plus strand): 5'-GATTTGGCTTTCCCTGGGTCATGGCTATTTCCACTTCGGCTATATCCACCGAAGCTCGAT[G>A]AAGAAAATGGCCCATCTGGCTCATCATCAAGTAGATATAGTGAAAGCCCTTCAGCAGCAT-3'
Protein context (NP_694984.5, residues 1511-1531): LDDEPDGPFS[Ser1521Leu]SSFGGYSRSG